The following is an entry in ClinVar:

ClinVar aggregate classification (germline): Uncertain significance (1 of 4 stars; one submission).

Conditions:
Bethlem myopathy 1A. Also called: Bethlem Muscular Dystrophy; MYOPATHY, BENIGN CONGENITAL, WITH CONTRACTURES; Bethlem myopathy 1. Identifiers: Orphanet 610, MedGen CN029274, MONDO:0024530, OMIM 158810.

Submission:

Labcorp Genetics (formerly Invitae), Labcorp
Classification: Uncertain significance for Bethlem myopathy 1A. Last evaluated: 2022-03-18. Review status: criteria provided, single submitter. Criteria: Invitae Variant Classification Sherloc (09022015). Collection method: clinical testing. Allele origin: germline.
Comment: ClinVar contains an entry for this variant (Variation ID: 1051176). Algorithms developed to predict the effect of missense changes on protein structure and function are either unavailable or do not agree on the potential impact of this missense change (SIFT: "Tolerated"; PolyPhen-2: "Probably Damaging"; Align-GVGD: "Class C0"). In summary, the available evidence is currently insufficient to determine the role of this variant in disease. Therefore, it has been classified as a Variant of Uncertain Significance. This variant has not been reported in the literature in individuals affected with COL6A3-related conditions. This sequence change replaces glycine, which is neutral and non-polar, with glutamic acid, which is acidic and polar, at codon 356 of the COL6A3 protein (p.Gly356Glu). This variant is not present in population databases (gnomAD no frequency).

NM_004369.4(COL6A3):c.1067G>A (p.Gly356Glu)

Gene: COL6A3 (collagen type VI alpha 3 chain; minus strand). Cytogenetic location: 2q37.3.
Variant type: single nucleotide variant.
Coding change: c.1067G>A on transcript NM_004369.4 (MANE Select); coding-DNA position 1067, G replaced by A.
Protein change: p.Gly356Glu; replaces glycine 356 with glutamic acid.
Molecular consequence: missense variant. On other transcripts: intron variant (2).
Genome position (GRCh38, 1-based): chr2:237,387,827, C>T on the plus strand (G>A on the coding strand, the complement: COL6A3 is on the minus strand). VCF-style: chr2-237387827-C-T. GRCh37 (hg19) VCF-style: chr2-238296470-C-T.
Other names: c.449G>A, p.Gly150Glu (NM_057165.5, NM_057167.4); c.92-6328G>A (NM_057166.5, NM_057164.5); short protein forms G150E, G356E.
Identifiers: ClinVar variation 1051176 (VCV001051176.12), dbSNP rs2106378611, ClinGen allele CA351222127.